The following is an entry in ClinVar:

NM_032043.3(BRIP1):c.2520A>G (p.Gly840=)

Gene: BRIP1 (BRCA1 interacting DNA helicase 1; minus strand). Cytogenetic location: 17q23.2.
Variant type: single nucleotide variant.
Coding change: c.2520A>G on transcript NM_032043.3 (MANE Select); coding-DNA position 2520, A replaced by G.
Protein change: p.Gly840=; no amino-acid change (glycine 840 retained).
Molecular consequence: synonymous variant.
Genome position (GRCh38, 1-based): chr17:61,693,485, T>C on the plus strand (A>G on the coding strand, the complement: BRIP1 is on the minus strand). VCF-style: chr17-61693485-T-C. GRCh37 (hg19) VCF-style: chr17-59770846-T-C.
Identifiers: ClinVar variation 1792534 (VCV001792534.3), dbSNP rs2544604626, ClinGen allele CA501144720.
Genomic context (GRCh38, chr17:61,693,485, plus strand): 5'-CTTACCAGATATATAGCGACTTGGGTTATTCCTAAAGCGATCATCCACTAGAATAAGAGC[T>C]CCCCAATCATTTCTGTGTCTAATACATCTAGAAAAAATAGGGAAAAAGTCAAATAATTAT-3'
Protein context (NP_114432.2, residues 830-850): GRCIRHRNDW[Gly840=]ALILVDDRFR

ClinVar aggregate classification (germline): Benign/Likely benign. Review status: criteria provided, multiple submitters, no conflicts (2 of 4 stars). 2 submissions from 2 submitters: Benign (1); Likely benign (1). Last evaluated 2024-09-05.

Conditions:
Hereditary cancer-predisposing syndrome. Also called: Hereditary Cancer Syndrome; Hereditary neoplastic syndrome; Tumor predisposition; Neoplastic Syndromes, Hereditary. Identifiers: Orphanet 140162, MedGen C0027672, MeSH D009386, MONDO:0015356.
Familial cancer of breast. Also called: BREAST CANCER, FAMILIAL; Hereditary breast cancer; hereditary breast carcinoma. Identifiers: Orphanet 227535, MedGen C0346153, MONDO:0016419, OMIM 114480. Disease mechanism: loss of function.

Submissions (2):

Myriad Genetics, Inc.
Classification: Benign for Familial cancer of breast. Last evaluated: 2024-09-05. Review status: criteria provided, single submitter. Criteria: Myriad Autosomal Dominant, Autosomal Recessive and X-Linked Classification Criteria (2023). Collection method: clinical testing. Allele origin: unknown.
Comment: This variant is considered benign. This variant is a silent/synonymous amino acid change and it is not expected to impact splicing.

Ambry Genetics
Classification: Likely benign for Hereditary cancer-predisposing syndrome. Last evaluated: 2021-10-07. Review status: criteria provided, single submitter. Criteria: Ambry Variant Classification Scheme 2023. Collection method: clinical testing. Allele origin: germline.